The following is an entry in ClinVar:

NM_000158.4(GBE1):c.1202A>G (p.His401Arg)

Gene: GBE1 (1,4-alpha-glucan branching enzyme 1; minus strand). Cytogenetic location: 3p12.2.
Variant type: single nucleotide variant.
Coding change: c.1202A>G on transcript NM_000158.4 (MANE Select); coding-DNA position 1202, A replaced by G.
Protein change: p.His401Arg; replaces histidine 401 with arginine.
Molecular consequence: missense variant.
Genome position (GRCh38, 1-based): chr3:81,591,071, T>C on the plus strand (A>G on the coding strand, the complement: GBE1 is on the minus strand). VCF-style: chr3-81591071-T-C. GRCh37 (hg19) VCF-style: chr3-81640222-T-C.
Other names: short protein forms H401R.
Identifiers: ClinVar variation 1962822 (VCV001962822.2), dbSNP rs767762891, ClinGen allele CA353685491.

ClinVar aggregate classification (germline): Uncertain significance (1 of 4 stars; one submission).

Conditions:
Glycogen storage disease IV, classic hepatic. Also called: GSD IV, CLASSIC HEPATIC. Identifiers: MedGen C1856301.
Glycogen storage disease, type IV (GSD4). Also called: AMYLOPECTINOSIS; ANDERSEN DISEASE; BRANCHER DEFICIENCY; CIRRHOSIS, FAMILIAL, WITH DEPOSITION OF ABNORMAL GLYCOGEN; GBE1 DEFICIENCY; GLYCOGEN BRANCHING ENZYME DEFICIENCY. Identifiers: Orphanet 367, MedGen C0017923, MONDO:0009292, OMIM 232500.

Allele frequency attached by ClinVar (database versions not stated): gnomAD exomes 0.00001; gnomAD 0.00002.
gnomAD v4.1: 7 of 1,610,320 alleles (0.00043%); highest among the groups gnomAD compares: Admixed American, 0.0084%; no homozygotes.

Submission:

Labcorp Genetics (formerly Invitae), Labcorp
Classification: Uncertain significance for Glycogen storage disease, type IV; Glycogen storage disease IV, classic hepatic. Last evaluated: 2021-12-29. Review status: criteria provided, single submitter. Criteria: Invitae Variant Classification Sherloc (09022015). Collection method: clinical testing. Allele origin: germline.
Comment: This sequence change replaces histidine, which is basic and polar, with arginine, which is basic and polar, at codon 401 of the GBE1 protein (p.His401Arg). The frequency data for this variant in the population databases is considered unreliable, as metrics indicate poor data quality at this position in the gnomAD database. This variant has not been reported in the literature in individuals affected with GBE1-related conditions. Advanced modeling of protein sequence and biophysical properties (such as structural, functional, and spatial information, amino acid conservation, physicochemical variation, residue mobility, and thermodynamic stability) performed at Invitae indicates that this missense variant is not expected to disrupt GBE1 protein function. In summary, the available evidence is currently insufficient to determine the role of this variant in disease. Therefore, it has been classified as a Variant of Uncertain Significance.